The following is an entry in ClinVar:

NM_017882.3(CLN6):c.870C>T (p.Tyr290=)

Gene: CLN6 (CLN6 transmembrane ER protein; minus strand). Cytogenetic location: 15q23.
Variant type: single nucleotide variant.
Coding change: c.870C>T on transcript NM_017882.3 (MANE Select); coding-DNA position 870, C replaced by T.
Protein change: p.Tyr290=; no amino-acid change (tyrosine 290 retained).
Molecular consequence: synonymous variant.
Genome position (GRCh38, 1-based): chr15:68,208,206, G>A on the plus strand (C>T on the coding strand, the complement: CLN6 is on the minus strand). VCF-style: chr15-68208206-G-A. GRCh37 (hg19) VCF-style: chr15-68500544-G-A.
Identifiers: ClinVar variation 514534 (VCV000514534.7), dbSNP rs774291260, ClinGen allele CA7630457.

ClinVar aggregate classification (germline): Likely benign. Review status: criteria provided, multiple submitters, no conflicts (2 of 4 stars). 3 submissions from 3 submitters: Likely benign (3). Last evaluated 2024-04-26.

Conditions:
Neuronal ceroid lipofuscinosis. Also called: Neuronal Ceroid Lipofuscinoses. Identifiers: Orphanet 216, Orphanet 79263, MedGen C0027877, MONDO:0016295. Disease mechanism: loss of function.

Allele frequency attached by ClinVar (database versions not stated): gnomAD exomes 0.00002 and 0.00004; gnomAD 0.00003; ExAC 0.00006.
gnomAD v4.1: 32 of 1,613,514 alleles (0.002%); highest among the groups gnomAD compares: Non-Finnish European, 0.001%; 1 homozygote.

Submissions (3):

Blueprint Genetics
Classification: Likely benign. Last evaluated: 2024-04-26. Review status: criteria provided, single submitter. Criteria: ACMG Guidelines, 2015. Collection method: clinical testing. Allele origin: germline.

Labcorp Genetics (formerly Invitae), Labcorp
Classification: Likely benign for Neuronal ceroid lipofuscinosis. Last evaluated: 2023-05-19. Review status: criteria provided, single submitter. Criteria: Invitae Variant Classification Sherloc (09022015). Collection method: clinical testing. Allele origin: germline.

GeneDx
Classification: Likely benign. Last evaluated: 2018-01-15. Review status: criteria provided, single submitter. Criteria: GeneDx Variant Classification (06012015). Collection method: clinical testing. Allele origin: germline. Affected: yes.
Comment: This variant is considered likely benign or benign based on one or more of the following criteria: it is a conservative change, it occurs at a poorly conserved position in the protein, it is predicted to be benign by multiple in silico algorithms, and/or has population frequency not consistent with disease.